The following is an entry in ClinVar:

NM_022336.3(EDAR):c.(?_998)_(1347_?)del

Genes: RANBP2 (RAN binding protein 2; plus strand), EDAR (ectodysplasin A receptor; minus strand). Cytogenetic location: 2q13.
Variant type: Deletion.
Coding change: c.(?_998)_(1347_?)del on transcript NM_022336.3; a large deletion whose breakpoints are not mapped to the base.
Other names: c.(?_998)_(1347_?)del (NM_022336.3).
Identifiers: ClinVar variation 163325 (VCV000163325.4).

ClinVar aggregate classification (germline): Pathogenic (1 of 4 stars; one submission).

Conditions:
Autosomal dominant hypohidrotic ectodermal dysplasia. Also called: Autosomal dominant hypohidrotic ectodermal dysplasia syndrome. Identifiers: Orphanet 1810, MedGen C0265331, MONDO:0015884.

Submission:

Laboratory for Molecular Medicine, Mass General Brigham Personalized Medicine
Classification: Pathogenic for Autosomal dominant hypohidrotic ectodermal dysplasia syndrome. Last evaluated: 2014-01-22. Review status: criteria provided, single submitter. Criteria: LMM Criteria. Collection method: clinical testing. Allele origin: germline. Observed: 1 variant allele.
Comment: The deletion of exons 11 and 12 of the EDAR gene has not been identified in any individual with hypohidrotic ectodermal dysplasia (HED), and was absent from lar ge population studies. Other deletions or loss of function variants have been re ported in individuals with HED. This alteration is then predicted to lead to a t runcated or absent protein. In summary, this variant meets our criteria to be cl assified as pathogenic.

Literature cited by the submitters: PubMed 18854857; PubMed 10431241.